The following is an entry in ClinVar:

ClinVar aggregate classification (germline): Uncertain significance. Review status: criteria provided, multiple submitters, no conflicts (2 of 4 stars). 2 submissions from 2 submitters: Uncertain significance (2). Last evaluated 2024-02-11.

Conditions:
Hereditary sensory and autonomic neuropathy type 7. Also called: HSAN VII; Neuropathy, hereditary sensory and autonomic, type VII. Identifiers: Orphanet 391397, MedGen C3809882, MONDO:0014244, OMIM 615548.
Familial episodic pain syndrome with predominantly lower limb involvement. Also called: Episodic pain syndrome, familial, 3. Identifiers: Orphanet 391384, Orphanet 391392, MedGen C3809899, MONDO:0014247, OMIM 615552.
Inborn genetic diseases. Identifiers: MedGen C0950123, MeSH D030342.

gnomAD v4.1: 24 of 1,612,826 alleles (0.0015%); highest among the groups gnomAD compares: Non-Finnish European, 0.0019%; no homozygotes.

Submissions (2):

Labcorp Genetics (formerly Invitae), Labcorp
Classification: Uncertain significance for Familial episodic pain syndrome with predominantly lower limb involvement; Hereditary sensory and autonomic neuropathy type 7. Last evaluated: 2024-02-11. Review status: criteria provided, single submitter. Criteria: Invitae Variant Classification Sherloc (09022015). Collection method: clinical testing. Allele origin: germline.
Comment: This sequence change replaces proline, which is neutral and non-polar, with glutamine, which is neutral and polar, at codon 1028 of the SCN11A protein (p.Pro1028Gln). The frequency data for this variant in the population databases is considered unreliable, as metrics indicate poor data quality at this position in the gnomAD database. This variant has not been reported in the literature in individuals affected with SCN11A-related conditions. ClinVar contains an entry for this variant (Variation ID: 1727386). Advanced modeling of protein sequence and biophysical properties (such as structural, functional, and spatial information, amino acid conservation, physicochemical variation, residue mobility, and thermodynamic stability) performed at Invitae indicates that this missense variant is not expected to disrupt SCN11A protein function with a negative predictive value of 80%. In summary, the available evidence is currently insufficient to determine the role of this variant in disease. Therefore, it has been classified as a Variant of Uncertain Significance.

Ambry Genetics
Classification: Uncertain significance for Inborn genetic diseases. Last evaluated: 2020-05-19. Review status: criteria provided, single submitter. Criteria: Ambry Variant Classification Scheme 2023. Collection method: clinical testing. Allele origin: germline.
Comment: The p.P1028Q variant (also known as c.3083C>A), located in coding exon 18 of the SCN11A gene, results from a C to A substitution at nucleotide position 3083. The proline at codon 1028 is replaced by glutamine, an amino acid with similar properties. This amino acid position is not well conserved in available vertebrate species. In addition, this alteration is predicted to be tolerated by in silico analysis. Since supporting evidence is limited at this time, the clinical significance of this alteration remains unclear.

NM_001349253.2(SCN11A):c.3083C>A (p.Pro1028Gln)

Gene: SCN11A (sodium voltage-gated channel alpha subunit 11; minus strand). Cytogenetic location: 3p22.2.
Variant type: single nucleotide variant.
Coding change: c.3083C>A on transcript NM_001349253.2 (MANE Select); coding-DNA position 3083, C replaced by A.
Protein change: p.Pro1028Gln; replaces proline 1028 with glutamine.
Molecular consequence: missense variant.
Genome position (GRCh38, 1-based): chr3:38,883,369, G>T on the plus strand (C>A on the coding strand, the complement: SCN11A is on the minus strand). VCF-style: chr3-38883369-G-T. GRCh37 (hg19) VCF-style: chr3-38924860-G-T.
Other names: c.3083C>A, p.Pro1028Gln (NM_014139.3); short protein forms P1028Q.
Identifiers: ClinVar variation 1727386 (VCV001727386.5), dbSNP rs146367296, ClinGen allele CA2321874.
Genomic context (GRCh38, chr3:38,883,369, plus strand): 5'-GTTTTCCGCAGGTTCCACCAAATGACCCAGGGAGGCTTTCTCTTGTCCACGCTACAGCAT[G>T]GAAAGCAGCAACCAAAGCCTGAAAGGAATTAATGGTAGCACTATCATTAGTGTCTGTAAT-3'
Protein context (NP_001336182.1, residues 1018-1038): CLPKGFGCCF[Pro1028Gln]CCSVDKRKPP